The following is an entry in ClinVar:

NM_006940.6(SOX5):c.270+1del

Gene: SOX5 (SRY-box transcription factor 5; minus strand). Cytogenetic location: 12p12.1.
Variant type: Deletion.
Coding change: c.270+1del on transcript NM_006940.6 (MANE Select); the canonical splice donor site of the intron after coding-DNA position 270, one base deleted (G; older notation c.270+1delG).
Molecular consequence: splice donor variant. On other transcripts: intron variant (1).
Genome position (GRCh38, 1-based): chr12:23,895,792, C deleted on the plus strand (G on the coding strand, the reverse complement: SOX5 is on the minus strand); the first of 2 consecutive C bases (chr12:23,895,792-23,895,793); deleting either gives the same sequence. VCF-style (leftmost placement, unchanged base first): chr12-23895791-AC-A. GRCh37 (hg19) VCF-style: chr12-24048725-AC-A.
Other names: c.231+1del (NM_152989.5, NM_001261414.3); c.240+1del (NM_001261415.3); c.165+106del (NM_001330785.2); c.270+1delG (NM_006940.5).
Identifiers: ClinVar variation 4526792 (VCV004526792.3).

ClinVar aggregate classification (germline): Conflicting classifications of pathogenicity. Review status: criteria provided, conflicting classifications (1 of 4 stars). 3 submissions from 3 submitters: Pathogenic (1); Likely pathogenic (1); Uncertain significance (1). Last evaluated 2026-09-01.

Conditions:
SOX5-related disorder. Also called: SOX5-related condition.

Submissions (3):

CeGaT Center for Human Genetics Tuebingen
Classification: Pathogenic. Last evaluated: 2026-09-01. Review status: criteria provided, single submitter. Criteria: CeGaT Center For Human Genetics Tuebingen Variant Classification Criteria Version 2. Collection method: clinical testing. Allele origin: germline. Affected: yes. Observed: 1 variant allele.
Comment: SOX5: PVS1, PM2

PreventionGenetics, part of Exact Sciences
Classification: Uncertain significance for SOX5-related condition. Last evaluated: 2025-12-15. Review status: criteria provided, single submitter. Criteria: ACMG Guidelines, 2015. Collection method: clinical testing. Allele origin: germline.
Comment: The SOX5 c.270+1delG variant is predicted to result in a deletion affecting a canonical splice site. This variant is predicted to impact splicing by one available splicing algorithm (SpliceAI, Jaganathan et al. 2019. PubMed ID: 30661751). To our knowledge, this variant has not been reported in the literature or in a large population database (gnomAD), indicating this variant is rare. Although we suspect that this variant may be pathogenic, at this time, the clinical significance of this variant is uncertain due to the absence of conclusive functional and genetic evidence.

Centre for Clinical Genetics and Genomic Diagnostics, Zealand University Hospital
Classification: Likely pathogenic. Last evaluated: 2025-05-01. Review status: criteria provided, single submitter. Criteria: ACMG Guidelines, 2015. Collection method: clinical testing. Allele origin: germline. Affected: yes.